The following is an entry in ClinVar:

NM_001197104.2(KMT2A):c.177T>G (p.Ala59=)

Gene: KMT2A (lysine methyltransferase 2A; plus strand). Cytogenetic location: 11q23.3.
Variant type: single nucleotide variant.
Coding change: c.177T>G on transcript NM_001197104.2 (MANE Select); coding-DNA position 177, T replaced by G.
Protein change: p.Ala59=; no amino-acid change (alanine 59 retained).
Molecular consequence: synonymous variant.
Genome position (GRCh38, 1-based): chr11:118,436,689, T>G. VCF-style: chr11-118436689-T-G. GRCh37 (hg19) VCF-style: chr11-118307404-T-G.
Other names: c.177T>G, p.Ala59= (NM_001412597.1, NM_005933.4).
Identifiers: ClinVar variation 2642417 (VCV002642417.25), dbSNP rs1949188733, ClinGen allele CA477356564.
Genomic context (GRCh38, chr11:118,436,689, plus strand): 5'-GCTTCCCCCCGGGCCCCCGGTCGGCGGTGGCGGCCCCGGGGCGCCCCCCTCCCCCCCGGC[T>G]GTGGCGGCCGCGGCGGCGGCGGCGGGAAGCAGCGGGGCTGGGGTTCCAGGGGGAGCGGCC-3'
Protein context (NP_001184033.1, residues 49-69): GGPGAPPSPP[Ala59=]VAAAAAAAGS

ClinVar aggregate classification (germline): Likely benign. Review status: criteria provided, single submitter (1 of 4 stars). 2 submissions from 2 submitters: Likely benign (1). 1 of the submissions does not count toward it. Last evaluated 2022-11-01.

Conditions:
KMT2A-related disorder. Also called: KMT2A-related condition.

Allele frequency attached by ClinVar (database versions not stated): gnomAD exomes below 0.00001.

Submissions (2):

CeGaT Center for Human Genetics Tuebingen
Classification: Likely benign. Last evaluated: 2022-11-01. Review status: criteria provided, single submitter. Criteria: CeGaT Center For Human Genetics Tuebingen Variant Classification Criteria Version 2. Collection method: clinical testing. Allele origin: germline. Affected: yes. Observed: 1 variant allele.
Comment: KMT2A: BP4, BP7

PreventionGenetics, part of Exact Sciences
Classification: Likely benign for KMT2A-related condition. Last evaluated: 2024-02-23. Review status: no assertion criteria provided. Collection method: clinical testing. Allele origin: germline. Not counted in ClinVar's aggregate classification.
Comment: This variant is classified as likely benign based on ACMG/AMP sequence variant interpretation guidelines (Richards et al. 2015 PMID: 25741868, with internal and published modifications).